The following is an entry in ClinVar:

NM_003743.5(NCOA1):c.463A>T (p.Ser155Cys)

Gene: NCOA1 (nuclear receptor coactivator 1; plus strand). Cytogenetic location: 2p23.3.
Variant type: single nucleotide variant.
Coding change: c.463A>T on transcript NM_003743.5 (MANE Select); coding-DNA position 463, A replaced by T.
Protein change: p.Ser155Cys; replaces serine 155 with cysteine.
Molecular consequence: missense variant.
Genome position (GRCh38, 1-based): chr2:24,683,059, A>T. VCF-style: chr2-24683059-A-T. GRCh37 (hg19) VCF-style: chr2-24905928-A-T.
Other names: c.463A>T, p.Ser155Cys (NM_001362950.1, NM_001362952.1, NM_001362954.1 and 3 more transcripts); short protein forms S155C.
Identifiers: ClinVar variation 3183536 (VCV003183536.2), dbSNP rs370707375, ClinGen allele CA1552012.

ClinVar aggregate classification (germline): Uncertain significance. Review status: criteria provided, single submitter (1 of 4 stars). 2 submissions from 2 submitters: Uncertain significance (1). 1 of the submissions does not count toward it. Last evaluated 2024-01-30.

Conditions:
NCOA1-related disorder. Also called: NCOA1-related condition.

Allele frequency attached by ClinVar (database versions not stated): ExAC 0.00001; TOPMed 0.00001; ESP Exome Variant Server 0.00008.
gnomAD v4.1: 3 of 1,610,186 alleles (0.00019%); highest among the groups gnomAD compares: Non-Finnish European, 0.00025%; no homozygotes.

Submissions (2):

Ambry Genetics
Classification: Uncertain significance. Last evaluated: 2024-01-30. Review status: criteria provided, single submitter. Criteria: Ambry Variant Classification Scheme 2023. Collection method: clinical testing. Allele origin: germline.

PreventionGenetics, part of Exact Sciences
Classification: Uncertain significance for NCOA1-related condition. Last evaluated: 2024-08-19. Review status: no assertion criteria provided. Collection method: clinical testing. Allele origin: germline. Not counted in ClinVar's aggregate classification.
Comment: The NCOA1 c.463A>T variant is predicted to result in the amino acid substitution p.Ser155Cys. To our knowledge, this variant has not been reported in the literature or in a large population database, indicating this variant is rare. At this time, the clinical significance of this variant is uncertain due to the absence of conclusive functional and genetic evidence.